The following is an entry in ClinVar:

NM_001206744.2(TPO):c.1313G>A (p.Arg438His)

Gene: TPO (thyroid peroxidase; plus strand). Cytogenetic location: 2p25.3.
Variant type: single nucleotide variant.
Coding change: c.1313G>A on transcript NM_001206744.2 (MANE Select); coding-DNA position 1313, G replaced by A.
Protein change: p.Arg438His; replaces arginine 438 with histidine.
Molecular consequence: missense variant. On other transcripts: intron variant (1).
Genome position (GRCh38, 1-based): chr2:1,477,579, G>A. VCF-style: chr2-1477579-G-A. GRCh37 (hg19) VCF-style: chr2-1481351-G-A.
Other names: c.1313G>A, p.Arg438His (NM_000547.6, NM_001206745.2, NM_175719.4 and 1 more transcripts); c.820-7017G>A (NM_175722.3); short protein forms R438H.
Identifiers: ClinVar variation 893362 (VCV000893362.5), dbSNP rs1210957618, ClinGen allele CA345694840.
Genomic context (GRCh38, chr2:1,477,579, plus strand): 5'-CCGCGGCGCTCAAGGCCCTCAATGCGCACTGGAGCGCGGACGCCGTGTACCAGGAGGCGC[G>A]CAAGGTCGTGGGCGCTCTGCACCAGGTGCGCGGGGTGGTCCTGGGCGCCCTGGGTGGCTG-3'
Protein context (NP_001193673.1, residues 428-448): WSADAVYQEA[Arg438His]KVVGALHQII

ClinVar aggregate classification (germline): Conflicting classifications of pathogenicity. Review status: criteria provided, conflicting classifications (1 of 4 stars). 2 submissions from 2 submitters: Likely pathogenic (1); Uncertain significance (1). Last evaluated 2024-07-23.

Conditions:
Deficiency of iodide peroxidase (TDH2A). Also called: HYPOTHYROIDISM, CONGENITAL, DUE TO DYSHORMONOGENESIS, 2A; IODIDE PEROXIDASE DEFICIENCY; THYROID HORMONOGENESIS, GENETIC DEFECT IN, 2A; THYROID PEROXIDASE DEFICIENCY; Thyroid dyshormonogenesis 2A. Identifiers: Orphanet 95716, MedGen C1291299, MONDO:0010133, OMIM 274500.

Allele frequency attached by ClinVar (database versions not stated): TOPMed 0.00001; gnomAD 0.00002 and 0.00003.
gnomAD v4.1: 35 of 1,536,306 alleles (0.0023%); highest among the groups gnomAD compares: African/African-American, 0.0028%; no homozygotes.

Submissions (2):

GeneDx
Classification: Likely pathogenic. Last evaluated: 2024-07-23. Review status: criteria provided, single submitter. Criteria: GeneDx Variant Classification Process June 2021. Collection method: clinical testing. Allele origin: germline. Affected: yes.
Comment: In silico analysis supports that this missense variant has a deleterious effect on protein structure/function; This variant is associated with the following publications: (PMID: 28648508, 27373559, 32765423)

Illumina Laboratory Services, Illumina
Classification: Uncertain significance for Deficiency of iodide peroxidase. Last evaluated: 2017-04-28. Review status: criteria provided, single submitter. Criteria: ICSL Variant Classification Criteria 13 December 2019. Collection method: clinical testing. Allele origin: germline.